The following is an entry in ClinVar:

NM_001385125.1(OPN1SW):c.353C>T (p.Thr118Ile)

Gene: OPN1SW (opsin 1, short wave sensitive; minus strand). Cytogenetic location: 7q32.1.
Variant type: single nucleotide variant.
Coding change: c.353C>T on transcript NM_001385125.1 (MANE Select); coding-DNA position 353, C replaced by T.
Protein change: p.Thr118Ile; replaces threonine 118 with isoleucine.
Molecular consequence: missense variant.
Genome position (GRCh38, 1-based): chr7:128,775,145, G>A on the plus strand (C>T on the coding strand, the complement: OPN1SW is on the minus strand). VCF-style: chr7-128775145-G-A. GRCh37 (hg19) VCF-style: chr7-128415199-G-A.
Other names: NM_001708.2:c.362C>T; short protein forms T118I.
Identifiers: ClinVar variation 3697172 (VCV003697172.3).

ClinVar aggregate classification (germline): Uncertain significance. Review status: criteria provided, multiple submitters, no conflicts (2 of 4 stars). 2 submissions from 2 submitters: Uncertain significance (2). Last evaluated 2025-01-27.

gnomAD v4.1: 25 of 1,613,974 alleles (0.0015%); highest among the groups gnomAD compares: Non-Finnish European, 0.002%; no homozygotes.

Submissions (2):

Ambry Genetics
Classification: Uncertain significance. Last evaluated: 2025-01-27. Review status: criteria provided, single submitter. Criteria: Ambry Variant Classification Scheme 2023. Collection method: clinical testing. Allele origin: germline.

Labcorp Genetics (formerly Invitae), Labcorp
Classification: Uncertain significance. Last evaluated: 2024-06-26. Review status: criteria provided, single submitter. Criteria: Invitae Variant Classification Sherloc (09022015). Collection method: clinical testing. Allele origin: germline.
Comment: This sequence change replaces threonine, which is neutral and polar, with isoleucine, which is neutral and non-polar, at codon 121 of the OPN1SW protein (p.Thr121Ile). The frequency data for this variant in the population databases is considered unreliable, as metrics indicate poor data quality at this position in the gnomAD database. This variant has not been reported in the literature in individuals affected with OPN1SW-related conditions. Algorithms developed to predict the effect of missense changes on protein structure and function output the following: SIFT: "Not Available"; PolyPhen-2: "Benign"; Align-GVGD: "Not Available". The isoleucine amino acid residue is found in multiple mammalian species, which suggests that this missense change does not adversely affect protein function. In summary, the available evidence is currently insufficient to determine the role of this variant in disease. Therefore, it has been classified as a Variant of Uncertain Significance.